The following is an entry in ClinVar:

NM_020686.6(ABAT):c.1005G>A (p.Thr335=)

Gene: ABAT (4-aminobutyrate aminotransferase; plus strand). Cytogenetic location: 16p13.2.
Variant type: single nucleotide variant.
Coding change: c.1005G>A on transcript NM_020686.6 (MANE Select); coding-DNA position 1005, G replaced by A.
Protein change: p.Thr335=; no amino-acid change (threonine 335 retained).
Molecular consequence: synonymous variant.
Genome position (GRCh38, 1-based): chr16:8,774,940, G>A. VCF-style: chr16-8774940-G-A. GRCh37 (hg19) VCF-style: chr16-8868797-G-A.
Other names: c.1005G>A (NM_020686.5); c.1005G>A, p.Thr335= (NM_000663.5, NM_001127448.2, NM_001386600.1 and 6 more transcripts); c.966G>A, p.Thr322= (NM_001386605.1); c.942G>A, p.Thr314= (NM_001386606.1, NM_001386607.1); c.912G>A, p.Thr304= (NM_001386608.1); c.870G>A, p.Thr290= (NM_001386610.1, NM_001386611.1); c.807G>A, p.Thr269= (NM_001386612.1, NM_001386613.1); c.759G>A, p.Thr253= (NM_001386614.1); and 1 more.
Identifiers: ClinVar variation 1123601 (VCV001123601.11), dbSNP rs557375445, ClinGen allele CA7893399.

ClinVar aggregate classification (germline): Likely benign. Review status: criteria provided, single submitter (1 of 4 stars). 2 submissions from 2 submitters: Likely benign (1). 1 of the submissions does not count toward it. Last evaluated 2025-06-11.

Conditions:
ABAT-related disorder. Also called: ABAT-related condition.
Gamma-aminobutyric acid transaminase deficiency (GABATD). Also called: GABA transaminase deficiency; Gamma aminobutyrate transaminase deficiency; 4 alpha aminobutyrate transaminase deficiency; GABA aminotransaminase deficiency. Identifiers: Orphanet 2066, MedGen C0342708, MONDO:0013166, OMIM 613163.

Allele frequency attached by ClinVar (database versions not stated): ExAC 0.00003; 1000 Genomes Project 30x 0.00016; 1000 Genomes Project 0.00020; gnomAD 0.00001 and 0.00002; gnomAD exomes 0.00001 and 0.00002; TOPMed 0.00002.
gnomAD v4.1: 22 of 1,614,178 alleles (0.0014%); highest among the groups gnomAD compares: African/African-American, 0.004%; no homozygotes.

Submissions (2):

Labcorp Genetics (formerly Invitae), Labcorp
Classification: Likely benign for Gamma-aminobutyric acid transaminase deficiency. Last evaluated: 2025-06-11. Review status: criteria provided, single submitter. Criteria: Invitae Variant Classification Sherloc (09022015). Collection method: clinical testing. Allele origin: germline.

PreventionGenetics, part of Exact Sciences
Classification: Likely benign for ABAT-related condition. Last evaluated: 2019-09-11. Review status: no assertion criteria provided. Collection method: clinical testing. Allele origin: germline. Not counted in ClinVar's aggregate classification.
Comment: This variant is classified as likely benign based on ACMG/AMP sequence variant interpretation guidelines (Richards et al. 2015 PMID: 25741868, with internal and published modifications).